The following is an entry in ClinVar:

ClinVar aggregate classification (germline): Uncertain significance. Review status: criteria provided, multiple submitters, no conflicts (2 of 4 stars). 2 submissions from 2 submitters: Uncertain significance (2). Last evaluated 2023-07-20.

Submissions (2):

Ambry Genetics
Classification: Uncertain significance. Last evaluated: 2023-07-20. Review status: criteria provided, single submitter. Criteria: Ambry Variant Classification Scheme 2023. Collection method: clinical testing. Allele origin: germline.
Comment: Does not currently meet published gene-disease clinical validity criteria Based on insufficient or conflicting evidence, the clinical significance of this alteration remains unclear.

Labcorp Genetics (formerly Invitae), Labcorp
Classification: Uncertain significance. Last evaluated: 2023-02-11. Review status: criteria provided, single submitter. Criteria: Invitae Variant Classification Sherloc (09022015). Collection method: clinical testing. Allele origin: germline.
Comment: In summary, the available evidence is currently insufficient to determine the role of this variant in disease. Therefore, it has been classified as a Variant of Uncertain Significance. Algorithms developed to predict the effect of missense changes on protein structure and function (SIFT, PolyPhen-2, Align-GVGD) all suggest that this variant is likely to be tolerated. This variant has not been reported in the literature in individuals affected with MYLIP-related conditions. This variant is not present in population databases (gnomAD no frequency). This sequence change replaces phenylalanine, which is neutral and non-polar, with leucine, which is neutral and non-polar, at codon 128 of the MYLIP protein (p.Phe128Leu).

Literature cited by the submitters: PubMed 28106320 (cited by Ambry Genetics).

NM_013262.4(MYLIP):c.384T>G (p.Phe128Leu)

Gene: MYLIP (myosin regulatory light chain interacting protein; plus strand). Cytogenetic location: 6p22.3.
Variant type: single nucleotide variant.
Coding change: c.384T>G on transcript NM_013262.4 (MANE Select); coding-DNA position 384, T replaced by G.
Protein change: p.Phe128Leu; replaces phenylalanine 128 with leucine.
Molecular consequence: missense variant.
Genome position (GRCh38, 1-based): chr6:16,141,730, T>G. VCF-style: chr6-16141730-T-G. GRCh37 (hg19) VCF-style: chr6-16141961-T-G.
Other names: short protein forms F128L.
Identifiers: ClinVar variation 2613192 (VCV002613192.5), dbSNP rs2532234127, ClinGen allele CA362793713.
Genomic context (GRCh38, chr6:16,141,730, plus strand): 5'-CCTCTTGTGTTCCCCAGAGCAGGCAGTGGAACTCAGTGCCCTCCTGGCCCAGACCAAGTT[T>G]GGAGACTACAACCAGAACACTGCCAAGTATAACTATGAGGAGCTCTGTGCCAAGGAGCTC-3'
Protein context (NP_037394.2, residues 118-138): ELSALLAQTK[Phe128Leu]GDYNQNTAKY